The following is an entry in ClinVar:

ClinVar aggregate classification (germline): Likely pathogenic. Review status: criteria provided, multiple submitters, no conflicts (2 of 4 stars). 2 submissions from 2 submitters: Likely pathogenic (2). Last evaluated 2022-09-24.

Conditions:
Hereditary cancer-predisposing syndrome. Also called: Neoplastic Syndromes, Hereditary; Tumor predisposition; Hereditary Cancer Syndrome; Hereditary neoplastic syndrome. Identifiers: Orphanet 140162, MedGen C0027672, MeSH D009386, MONDO:0015356.
Microcephaly, normal intelligence and immunodeficiency (NBS). Also called: IMMUNODEFICIENCY, MICROCEPHALY, AND CHROMOSOMAL INSTABILITY; SEEMANOVA SYNDROME II; Nijmegen breakage syndrome; Microcephaly with normal intelligence immunodeficiency and lymphoreticular malignancies; Nonsyndromal microcephaly autosomal recessive with normal intelligence; Seemanova syndrome 2. Identifiers: Orphanet 647, MedGen C0398791, MONDO:0009623, OMIM 251260.

Submissions (2):

Labcorp Genetics (formerly Invitae), Labcorp
Classification: Likely pathogenic for Microcephaly, normal intelligence and immunodeficiency. Last evaluated: 2022-09-24. Review status: criteria provided, single submitter. Criteria: Invitae Variant Classification Sherloc (09022015). Collection method: clinical testing. Allele origin: germline.
Comment: This sequence change affects a donor splice site in intron 4 of the NBN gene. It is expected to disrupt RNA splicing. Variants that disrupt the donor or acceptor splice site typically lead to a loss of protein function (PMID: 16199547), and loss-of-function variants in NBN are known to be pathogenic (PMID: 9590180, 16415040). This variant is not present in population databases (gnomAD no frequency). This variant has not been reported in the literature in individuals affected with NBN-related conditions. Algorithms developed to predict the effect of sequence changes on RNA splicing suggest that this variant may disrupt the consensus splice site. In summary, the currently available evidence indicates that the variant is pathogenic, but additional data are needed to prove that conclusively. Therefore, this variant has been classified as Likely Pathogenic.

Ambry Genetics
Classification: Likely pathogenic for Hereditary cancer-predisposing syndrome. Last evaluated: 2015-10-24. Review status: criteria provided, single submitter. Criteria: Ambry Variant Classification Scheme 2023. Collection method: clinical testing. Allele origin: germline.
Comment: The c.480+2T>G intronic variant results from a T to G substitution two nucleotides after coding exon 4 in the NBN gene. This variant was not reported in population based cohorts in the following databases: Database of Single Nucleotide Polymorphisms (dbSNP), NHLBI Exome Sequencing Project (ESP), and 1000 Genomes Project. In the ESP, this variant was not observed in 6503 samples (13006 alleles) with coverage at this position. To date, this alteration has been detected with an allele frequency of approximately 0.002% (greater than 65000 alleles tested) in our clinical cohort. This nucleotide position is highly conserved in available vertebrate species. Using the BDGP and ESEfinder splice site prediction tools, this alteration is predicted to abolish the native splice donor site; however, direct evidence is unavailable. Alterations that disrupt the canonical splice donor site are typically deleterious in nature (ACMG Recommendations for Standards for Interpretation and Reporting of Sequence Variations. Revision 2007. Genet Med. 2008;10:294). As such, the c.480+2T>G variant is classified as likely pathogenic.

Literature cited by the submitters: PubMed 16199547 (cited by Labcorp Genetics (formerly Invitae), Labcorp); PubMed 9590180 (cited by Labcorp Genetics (formerly Invitae), Labcorp); PubMed 16415040 (cited by Labcorp Genetics (formerly Invitae), Labcorp).

NM_002485.5(NBN):c.480+2T>G

Gene: NBN (nibrin; minus strand). Cytogenetic location: 8q21.3.
Variant type: single nucleotide variant.
Coding change: c.480+2T>G on transcript NM_002485.5 (MANE Select); the canonical splice donor site of the intron after coding-DNA position 480, T replaced by G.
Molecular consequence: splice donor variant.
Genome position (GRCh38, 1-based): chr8:89,980,732, A>C on the plus strand (T>G on the coding strand, the complement: NBN is on the minus strand). VCF-style: chr8-89980732-A-C. GRCh37 (hg19) VCF-style: chr8-90992960-A-C.
Other names: c.234+2T>G (NM_001024688.3).
Identifiers: ClinVar variation 1743194 (VCV001743194.7), dbSNP rs2488355261, ClinGen allele CA371661414.